The following is an entry in ClinVar:

NM_001177701.3(IFT27):c.481G>A (p.Glu161Lys)

Genes: CACNG2-DT (CACNG2 divergent transcript; plus strand), IFT27 (intraflagellar transport 27; minus strand). Cytogenetic location: 22q12.3.
Variant type: single nucleotide variant.
Coding change: c.481G>A on transcript NM_001177701.3 (MANE Select); coding-DNA position 481, G replaced by A.
Protein change: p.Glu161Lys; replaces glutamic acid 161 with lysine.
Molecular consequence: missense variant.
Genome position (GRCh38, 1-based): chr22:36,758,391, C>T on the plus strand (G>A on the coding strand, the complement: IFT27 is on the minus strand). VCF-style: chr22-36758391-C-T. GRCh37 (hg19) VCF-style: chr22-37154435-C-T.
Other names: c.481G>A (NM_001177701.1); c.481G>A, p.Glu161Lys (NM_001363003.2); c.478G>A, p.Glu160Lys (NM_006860.5); c.478G>A (NM_006860.4); short protein forms E160K, E161K.
Identifiers: ClinVar variation 1148770 (VCV001148770.13), dbSNP rs753938507, ClinGen allele CA10212312.

ClinVar aggregate classification (germline): Conflicting classifications of pathogenicity. Review status: criteria provided, conflicting classifications (1 of 4 stars). 3 submissions from 3 submitters: Uncertain significance (2); Likely benign (1). Last evaluated 2025-10-27.

Conditions:
Inborn genetic diseases. Identifiers: MedGen C0950123, MeSH D030342.
IFT27-related disorder. Also called: IFT27-related condition.

Allele frequency attached by ClinVar (database versions not stated): gnomAD 0.00001 and 0.00002; TOPMed 0.00002; gnomAD exomes 0.00006; ExAC 0.00008.
gnomAD v4.1: 29 of 1,613,862 alleles (0.0018%); highest among the groups gnomAD compares: East Asian, 0.022%; no homozygotes.

Submissions (3):

PreventionGenetics, part of Exact Sciences
Classification: Uncertain significance for IFT27-related condition. Last evaluated: 2025-10-27. Review status: criteria provided, single submitter. Criteria: ACMG Guidelines, 2015. Collection method: clinical testing. Allele origin: germline.
Comment: The IFT27 c.478G>A variant is predicted to result in the amino acid substitution p.Glu160Lys. To our knowledge, this variant has not been reported in the literature. This variant is reported in 0.065% of alleles in individuals of East Asian descent in gnomAD. Although we suspect that this variant may be benign, at this time, the clinical significance of this variant is uncertain due to the absence of conclusive functional and genetic evidence.

Labcorp Genetics (formerly Invitae), Labcorp
Classification: Likely benign. Last evaluated: 2024-07-27. Review status: criteria provided, single submitter. Criteria: Invitae Variant Classification Sherloc (09022015). Collection method: clinical testing. Allele origin: germline.

Ambry Genetics
Classification: Uncertain significance for Inborn genetic diseases. Last evaluated: 2024-04-12. Review status: criteria provided, single submitter. Criteria: Ambry Variant Classification Scheme 2023. Collection method: clinical testing. Allele origin: germline.